The following is an entry in ClinVar:

NM_001385.3(DPYS):c.878C>T (p.Ala293Val)

Gene: DPYS (dihydropyrimidinase; minus strand). Cytogenetic location: 8q22.3.
Variant type: single nucleotide variant.
Coding change: c.878C>T on transcript NM_001385.3 (MANE Select); coding-DNA position 878, C replaced by T.
Protein change: p.Ala293Val; replaces alanine 293 with valine.
Molecular consequence: missense variant.
Genome position (GRCh38, 1-based): chr8:104,429,617, G>A on the plus strand (C>T on the coding strand, the complement: DPYS is on the minus strand). VCF-style: chr8-104429617-G-A. GRCh37 (hg19) VCF-style: chr8-105441845-G-A.
Other names: short protein forms A293V.
Identifiers: ClinVar variation 1363017 (VCV001363017.3), dbSNP rs773862108, ClinGen allele CA4838439.
Genomic context (GRCh38, chr8:104,429,617, plus strand): 5'-TTCATGAGGAAGTCGGGTGTTGAGGGGTCTGGTCGCAAAGGTGGACCCATGACATGGTGG[G>A]CTGCATGGTGCCATTCTTTATTCCAGTAGTGAGTGCCATCTGTGCCAAGACTGGCTGCTA-3'
Protein context (NP_001376.1, residues 283-303): HYWNKEWHHA[Ala293Val]HHVMGPPLRP

ClinVar aggregate classification (germline): Uncertain significance (1 of 4 stars; one submission).

Allele frequency attached by ClinVar (database versions not stated): gnomAD exomes below 0.00001.
gnomAD v4.1: 6 of 1,614,142 alleles (0.00037%); highest among the groups gnomAD compares: East Asian, 0.0089%; no homozygotes.

Submission:

Labcorp Genetics (formerly Invitae), Labcorp
Classification: Uncertain significance. Last evaluated: 2021-07-28. Review status: criteria provided, single submitter. Criteria: Invitae Variant Classification Sherloc (09022015). Collection method: clinical testing. Allele origin: germline.
Comment: This sequence change replaces alanine with valine at codon 293 of the DPYS protein (p.Ala293Val). The alanine residue is highly conserved and there is a small physicochemical difference between alanine and valine. This variant is present in population databases (rs773862108, ExAC 0.06%). This variant has not been reported in the literature in individuals affected with DPYS-related conditions. Algorithms developed to predict the effect of missense changes on protein structure and function are either unavailable or do not agree on the potential impact of this missense change (SIFT: "Deleterious"; PolyPhen-2: "Probably Damaging"; Align-GVGD: "Class C0"). In summary, the available evidence is currently insufficient to determine the role of this variant in disease. Therefore, it has been classified as a Variant of Uncertain Significance.